The following is an entry in ClinVar:

ClinVar aggregate classification (germline): Uncertain significance. Review status: criteria provided, multiple submitters, no conflicts (2 of 4 stars). 2 submissions from 2 submitters: Uncertain significance (2). Last evaluated 2025-07-10.

Conditions:
Cerebral palsy, spastic quadriplegic, 2 (CPSQ2). Identifiers: Orphanet 210141, MedGen C2752061, MONDO:0013033, OMIM 612900.

Allele frequency attached by ClinVar (database versions not stated): TOPMed below 0.00001; gnomAD exomes 0.00001 and 0.00002; ExAC 0.00002.
gnomAD v4.1: 5 of 1,614,138 alleles (0.00031%); highest among the groups gnomAD compares: Admixed American, 0.0083%; no homozygotes.

Submissions (2):

Labcorp Genetics (formerly Invitae), Labcorp
Classification: Uncertain significance. Last evaluated: 2025-07-10. Review status: criteria provided, single submitter. Criteria: Invitae Variant Classification Sherloc (09022015). Collection method: clinical testing. Allele origin: germline.
Comment: This sequence change replaces alanine, which is neutral and non-polar, with glycine, which is neutral and non-polar, at codon 718 of the KANK1 protein (p.Ala718Gly). This variant is present in population databases (rs748758469, gnomAD 0.01%). This variant has not been reported in the literature in individuals affected with KANK1-related conditions. ClinVar contains an entry for this variant (Variation ID: 1355220). Invitae Evidence Modeling of protein sequence and biophysical properties (such as structural, functional, and spatial information, amino acid conservation, physicochemical variation, residue mobility, and thermodynamic stability) indicates that this missense variant is not expected to disrupt KANK1 protein function with a negative predictive value of 80%. In summary, the available evidence is currently insufficient to determine the role of this variant in disease. Therefore, it has been classified as a Variant of Uncertain Significance.

Fulgent Genetics
Classification: Uncertain significance for Cerebral palsy, spastic quadriplegic, 2. Last evaluated: 2021-12-21. Review status: criteria provided, single submitter. Criteria: ACMG Guidelines, 2015. Collection method: clinical testing. Allele origin: unknown.

NM_015158.5(KANK1):c.2153C>G (p.Ala718Gly)

Gene: KANK1 (KN motif and ankyrin repeat domains 1; plus strand). Cytogenetic location: 9p24.3.
Variant type: single nucleotide variant.
Coding change: c.2153C>G on transcript NM_015158.5 (MANE Select); coding-DNA position 2153, C replaced by G.
Protein change: p.Ala718Gly; replaces alanine 718 with glycine.
Molecular consequence: missense variant. On other transcripts: non-coding transcript variant (1).
Genome position (GRCh38, 1-based): chr9:712,919, C>G. VCF-style: chr9-712919-C-G. GRCh37 (hg19) VCF-style: chr9-712919-C-G.
Other names: c.2153C>G, p.Ala718Gly (NM_001256876.3, NM_001256877.3, NM_001354331.2 and 2 more transcripts); c.1679C>G, p.Ala560Gly (NM_001354333.2, NM_001354335.2, NM_001354336.2 and 9 more transcripts); short protein forms A718G, A560G.
Identifiers: ClinVar variation 1355220 (VCV001355220.7), dbSNP rs748758469, ClinGen allele CA4960438.